The following is an entry in ClinVar:

NM_005802.5(TOPORS):c.1283C>T (p.Ser428Leu)

Gene: TOPORS (TOP1 binding arginine/serine rich protein, E3 ubiquitin ligase; minus strand). Cytogenetic location: 9p21.1.
Variant type: single nucleotide variant.
Coding change: c.1283C>T on transcript NM_005802.5 (MANE Select); coding-DNA position 1283, C replaced by T.
Protein change: p.Ser428Leu; replaces serine 428 with leucine.
Molecular consequence: missense variant.
Genome position (GRCh38, 1-based): chr9:32,543,242, G>A on the plus strand (C>T on the coding strand, the complement: TOPORS is on the minus strand). VCF-style: chr9-32543242-G-A. GRCh37 (hg19) VCF-style: chr9-32543240-G-A.
Other names: c.1088C>T, p.Ser363Leu (NM_001195622.2); short protein forms S363L, S428L.
Identifiers: ClinVar variation 867224 (VCV000867224.8), dbSNP rs1821096983, ClinGen allele CA373170769.
Genomic context (GRCh38, chr9:32,543,242, plus strand): 5'-TCTTCATCTGAACTGTCAGAAGTATTTAAAAGAGAAGACATAGTAACGTGTACCTGCTCT[G>A]AGCTTGAGTAAGATGGTCCTGGAGTTTCATCATCCCATGGTGCCTGACTAACAGTGGCTA-3'
Protein context (NP_005793.2, residues 418-438): DETPGPSYSS[Ser428Leu]EQVHVTMSSL

ClinVar aggregate classification (germline): Uncertain significance. Review status: criteria provided, multiple submitters, no conflicts (2 of 4 stars). 2 submissions from 2 submitters: Uncertain significance (2). Last evaluated 2021-10-22.

Submissions (2):

Labcorp Genetics (formerly Invitae), Labcorp
Classification: Uncertain significance. Last evaluated: 2021-10-22. Review status: criteria provided, single submitter. Criteria: Invitae Variant Classification Sherloc (09022015). Collection method: clinical testing. Allele origin: germline.
Comment: ClinVar contains an entry for this variant (Variation ID: 867224). In summary, the available evidence is currently insufficient to determine the role of this variant in disease. Therefore, it has been classified as a Variant of Uncertain Significance. Algorithms developed to predict the effect of missense changes on protein structure and function (SIFT, PolyPhen-2, Align-GVGD) all suggest that this variant is likely to be tolerated. This variant has not been reported in the literature in individuals affected with TOPORS-related conditions. This variant is not present in population databases (ExAC no frequency). This sequence change replaces serine with leucine at codon 428 of the TOPORS protein (p.Ser428Leu). The serine residue is moderately conserved and there is a large physicochemical difference between serine and leucine.

Blueprint Genetics
Classification: Uncertain significance. Last evaluated: 2019-08-15. Review status: criteria provided, single submitter. Criteria: ACMG Guidelines, 2015. Collection method: clinical testing. Allele origin: germline.